The following is an entry in ClinVar:

ClinVar aggregate classification (germline): Uncertain significance (1 of 4 stars; one submission).

Conditions:
Familial encephalopathy with neuroserpin inclusion bodies. Also called: ENCEPHALOPATHY, FAMILIAL, WITH COLLINS BODIES. Identifiers: Orphanet 85110, MedGen C1858680, MONDO:0011412, OMIM 604218.

Allele frequency attached by ClinVar (database versions not stated): TOPMed below 0.00001; gnomAD exomes 0.00001.
gnomAD v4.1: 10 of 1,613,452 alleles (0.00062%); highest among the groups gnomAD compares: Non-Finnish European, 0.00085%; no homozygotes.

Submission:

Labcorp Genetics (formerly Invitae), Labcorp
Classification: Uncertain significance for Familial encephalopathy with neuroserpin inclusion bodies. Last evaluated: 2021-06-09. Review status: criteria provided, single submitter. Criteria: Invitae Variant Classification Sherloc (09022015). Collection method: clinical testing. Allele origin: germline.
Comment: In summary, the available evidence is currently insufficient to determine the role of this variant in disease. Therefore, it has been classified as a Variant of Uncertain Significance. Algorithms developed to predict the effect of sequence changes on RNA splicing suggest that this variant may create or strengthen a splice site, but this prediction has not been confirmed by published transcriptional studies. Advanced modeling of protein sequence and biophysical properties (such as structural, functional, and spatial information, amino acid conservation, physicochemical variation, residue mobility, and thermodynamic stability) performed at Invitae indicates that this missense variant is not expected to disrupt SERPINI1 protein function. This variant has not been reported in the literature in individuals with SERPINI1-related conditions. This variant is not present in population databases (ExAC no frequency). This sequence change replaces serine with threonine at codon 168 of the SERPINI1 protein (p.Ser168Thr). The serine residue is highly conserved and there is a small physicochemical difference between serine and threonine.

NM_001122752.2(SERPINI1):c.502T>A (p.Ser168Thr)

Gene: SERPINI1 (serpin family I member 1; plus strand). Cytogenetic location: 3q26.1.
Variant type: single nucleotide variant.
Coding change: c.502T>A on transcript NM_001122752.2 (MANE Select); coding-DNA position 502, T replaced by A.
Protein change: p.Ser168Thr; replaces serine 168 with threonine.
Molecular consequence: missense variant.
Genome position (GRCh38, 1-based): chr3:167,792,610, T>A. VCF-style: chr3-167792610-T-A. GRCh37 (hg19) VCF-style: chr3-167510398-T-A.
Other names: c.502T>A, p.Ser168Thr (NM_005025.5); short protein forms S168T.
Identifiers: ClinVar variation 1950985 (VCV001950985.5), dbSNP rs1387712556, ClinGen allele CA355156473.